The following is an entry in ClinVar:

NM_000748.3(CHRNB2):c.1084C>T (p.Arg362Cys)

Gene: CHRNB2 (cholinergic receptor nicotinic beta 2 subunit; plus strand). Cytogenetic location: 1q21.3.
Variant type: single nucleotide variant.
Coding change: c.1084C>T on transcript NM_000748.3 (MANE Select); coding-DNA position 1084, C replaced by T.
Protein change: p.Arg362Cys; replaces arginine 362 with cysteine.
Molecular consequence: missense variant.
Genome position (GRCh38, 1-based): chr1:154,571,907, C>T. VCF-style: chr1-154571907-C-T. GRCh37 (hg19) VCF-style: chr1-154544383-C-T.
Other names: c.1084C>T (NM_000748.2); short protein forms R362C.
Identifiers: ClinVar variation 1017968 (VCV001017968.10), dbSNP rs199928622, ClinGen allele CA1130827.

ClinVar aggregate classification (germline): Conflicting classifications of pathogenicity. Review status: criteria provided, conflicting classifications (1 of 4 stars). 2 submissions from 2 submitters: Uncertain significance (1); Likely benign (1). Last evaluated 2026-01-28.

Conditions:
Inborn genetic diseases. Identifiers: MedGen C0950123, MeSH D030342.
Familial sleep-related hypermotor epilepsy. Also called: Autosomal Dominant Sleep-Related Hypermotor (Hyperkinetic) Epilepsy. Identifiers: Orphanet 98784, MedGen C3696898, MONDO:0000030.

Allele frequency attached by ClinVar (database versions not stated): gnomAD exomes 0.00001 and 0.00003; TOPMed 0.00006; gnomAD 0.00007 and 0.00009; ESP Exome Variant Server 0.00008; ExAC 0.00014; 1000 Genomes Project 30x 0.00016; 1000 Genomes Project 0.00020.
gnomAD v4.1: 27 of 1,575,608 alleles (0.0017%); highest among the groups gnomAD compares: African/African-American, 0.034%; no homozygotes.

Submissions (2):

Labcorp Genetics (formerly Invitae), Labcorp
Classification: Uncertain significance. Last evaluated: 2026-01-28. Review status: criteria provided, single submitter. Criteria: Invitae Variant Classification Sherloc (09022015). Collection method: clinical testing. Allele origin: germline.
Comment: This sequence change replaces arginine, which is basic and polar, with cysteine, which is neutral and slightly polar, at codon 362 of the CHRNB2 protein (p.Arg362Cys). The frequency data for this variant in the population databases is considered unreliable, as metrics indicate poor data quality at this position in the gnomAD database. This variant has not been reported in the literature in individuals affected with CHRNB2-related conditions. ClinVar contains an entry for this variant (Variation ID: 1017968). Invitae Evidence Modeling of protein sequence and biophysical properties (such as structural, functional, and spatial information, amino acid conservation, physicochemical variation, residue mobility, and thermodynamic stability) indicates that this missense variant is not expected to disrupt CHRNB2 protein function with a negative predictive value of 80%. In summary, the available evidence is currently insufficient to determine the role of this variant in disease. Therefore, it has been classified as a Variant of Uncertain Significance.

Ambry Genetics
Classification: Likely benign for Inborn genetic diseases. Last evaluated: 2022-12-01. Review status: criteria provided, single submitter. Criteria: Ambry Variant Classification Scheme 2023. Collection method: clinical testing. Allele origin: germline.